The following is an entry in ClinVar:

ClinVar aggregate classification (germline): Likely benign (1 of 4 stars; one submission).

Submission:

CeGaT Center for Human Genetics Tuebingen
Classification: Likely benign. Last evaluated: 2026-07-01. Review status: criteria provided, single submitter. Criteria: CeGaT Center For Human Genetics Tuebingen Variant Classification Criteria Version 2. Collection method: clinical testing. Allele origin: germline. Affected: yes. Observed: 7 variant alleles.
Comment: FLT1: BS2

NM_002019.4(FLT1):c.2117-10929ATC[4]

Gene: FLT1 (fms related receptor tyrosine kinase 1; minus strand). Cytogenetic location: 13q12.3.
Variant type: Microsatellite.
Coding change: c.2117-10929ATC[4] on transcript NM_002019.4 (MANE Select); four copies in a row of the 3-base unit ATC starting at c.2117-10929; the reference has five copies in a row; one copy, 3 bases deleted.
Molecular consequence: intron variant. On other transcripts: inframe deletion (1).
Genome position (GRCh38, 1-based): chr13:28,368,600-28,368,602, GAT deleted on the plus strand (ATC on the coding strand, the reverse complement: FLT1 is on the minus strand); deleting any 3 consecutive bases within chr13:28,368,600-28,368,616 gives the same sequence; the position shown is the placement nearest the transcript's 3' end. VCF-style (leftmost placement, unchanged base first): chr13-28368599-CGAT-C. GRCh37 (hg19) VCF-style: chr13-28942736-CGAT-C.
Other names: c.2166ATC[4], p.Ser733del (NM_001160030.2); short protein forms S733del.
Identifiers: ClinVar variation 2643707 (VCV002643707.24), dbSNP rs371573097, ClinGen allele CA6930327.